The following is an entry in ClinVar:

NM_001128178.3(NPHP1):c.975T>C (p.Arg325=)

Gene: NPHP1 (nephrocystin 1; minus strand). Cytogenetic location: 2q13.
Variant type: single nucleotide variant.
Coding change: c.975T>C on transcript NM_001128178.3 (MANE Select); coding-DNA position 975, T replaced by C.
Protein change: p.Arg325=; no amino-acid change (arginine 325 retained).
Molecular consequence: synonymous variant.
Genome position (GRCh38, 1-based): chr2:110,160,235, A>G on the plus strand (T>C on the coding strand, the complement: NPHP1 is on the minus strand). VCF-style: chr2-110160235-A-G. GRCh37 (hg19) VCF-style: chr2-110917812-A-G.
Other names: c.1143T>C (NM_000272.3); c.1143T>C, p.Arg381= (NM_000272.5); c.786T>C, p.Arg262= (NM_001128179.3); c.972T>C, p.Arg324= (NM_001374256.1); c.975T>C, p.Arg325= (NM_001374257.1); c.1140T>C, p.Arg380= (NM_207181.4).
Identifiers: ClinVar variation 4762711 (VCV004762711.2).

ClinVar aggregate classification (germline): Likely benign. Review status: criteria provided, multiple submitters, no conflicts (2 of 4 stars). 2 submissions from 2 submitters: Likely benign (2). Last evaluated 2026-04-28.

Conditions:
NPHP1-related disorder. Also called: NPHP1-related condition; NPHP1-related disorders.
Nephronophthisis. Also called: Juvenile Nephronophthisis. Identifiers: Orphanet 655, MedGen C0687120, MONDO:0019005, HP:0000090.

gnomAD v4.1: 8 of 1,611,404 alleles (0.0005%); highest among the groups gnomAD compares: Non-Finnish European, 0.00042%; no homozygotes.

Submissions (2):

PreventionGenetics, part of Exact Sciences
Classification: Likely benign for NPHP1-related condition. Last evaluated: 2026-04-28. Review status: criteria provided, single submitter. Criteria: ACMG Guidelines, 2015. Collection method: clinical testing. Allele origin: germline.
Comment: This variant is classified as likely benign based on ACMG/AMP sequence variant interpretation guidelines (Richards et al. 2015 PMID: 25741868, with internal and published modifications).

Labcorp Genetics (formerly Invitae), Labcorp
Classification: Likely benign for Nephronophthisis. Last evaluated: 2025-12-16. Review status: criteria provided, single submitter. Criteria: Invitae Variant Classification Sherloc (09022015). Collection method: clinical testing. Allele origin: germline.